The following is an entry in ClinVar:

ClinVar aggregate classification (germline): Pathogenic (1 of 4 stars; one submission).

Conditions:
Primary ciliary dyskinesia. Also called: Ciliary dyskinesia. Identifiers: Orphanet 244, MedGen C0008780, MONDO:0016575, HP:0012265.

Submission:

Labcorp Genetics (formerly Invitae), Labcorp
Classification: Pathogenic for Primary ciliary dyskinesia. Last evaluated: 2023-11-17. Review status: criteria provided, single submitter. Criteria: Invitae Variant Classification Sherloc (09022015). Collection method: clinical testing. Allele origin: germline.
Comment: This sequence change creates a premature translational stop signal (p.Lys573*) in the DNAH5 gene. It is expected to result in an absent or disrupted protein product. Loss-of-function variants in DNAH5 are known to be pathogenic (PMID: 11788826, 16627867). This variant is not present in population databases (gnomAD no frequency). This variant has not been reported in the literature in individuals affected with DNAH5-related conditions. For these reasons, this variant has been classified as Pathogenic.

Literature cited by the submitters: PubMed 11788826; PubMed 16627867.

NM_001369.3(DNAH5):c.1717A>T (p.Lys573Ter)

Gene: DNAH5 (dynein axonemal heavy chain 5; minus strand). Cytogenetic location: 5p15.2.
Variant type: single nucleotide variant.
Coding change: c.1717A>T on transcript NM_001369.3 (MANE Select); coding-DNA position 1717, A replaced by T.
Protein change: p.Lys573Ter; replaces lysine 573 with a stop codon.
Molecular consequence: nonsense.
Genome position (GRCh38, 1-based): chr5:13,902,066, T>A on the plus strand (A>T on the coding strand, the complement: DNAH5 is on the minus strand). VCF-style: chr5-13902066-T-A. GRCh37 (hg19) VCF-style: chr5-13902175-T-A.
Other names: short protein forms K573*.
Identifiers: ClinVar variation 2696631 (VCV002696631.3), dbSNP rs776722304, ClinGen allele CA359207898.